The following is an entry in ClinVar:

NM_001430.5(EPAS1):c.1856C>T (p.Pro619Leu)

Gene: EPAS1 (endothelial PAS domain protein 1; plus strand). Cytogenetic location: 2p21.
Variant type: single nucleotide variant.
Coding change: c.1856C>T on transcript NM_001430.5 (MANE Select); coding-DNA position 1856, C replaced by T.
Protein change: p.Pro619Leu; replaces proline 619 with leucine.
Molecular consequence: missense variant.
Genome position (GRCh38, 1-based): chr2:46,380,528, C>T. VCF-style: chr2-46380528-C-T. GRCh37 (hg19) VCF-style: chr2-46607667-C-T.
Other names: short protein forms P619L.
Identifiers: ClinVar variation 3275746 (VCV003275746.3).

ClinVar aggregate classification (germline): Uncertain significance. Review status: criteria provided, multiple submitters, no conflicts (2 of 4 stars). 2 submissions from 2 submitters: Uncertain significance (2). Last evaluated 2024-11-03.

Conditions:
Inborn genetic diseases. Identifiers: MedGen C0950123, MeSH D030342.

gnomAD v4.1: 40 of 1,614,062 alleles (0.0025%); highest among the groups gnomAD compares: African/African-American, 0.028%; no homozygotes.

Submissions (2):

Labcorp Genetics (formerly Invitae), Labcorp
Classification: Uncertain significance. Last evaluated: 2024-11-03. Review status: criteria provided, single submitter. Criteria: Invitae Variant Classification Sherloc (09022015). Collection method: clinical testing. Allele origin: germline.
Comment: This sequence change replaces proline, which is neutral and non-polar, with leucine, which is neutral and non-polar, at codon 619 of the EPAS1 protein (p.Pro619Leu). This variant is present in population databases (rs769628339, gnomAD 0.02%). This variant has not been reported in the literature in individuals affected with EPAS1-related conditions. An algorithm developed to predict the effect of missense changes on protein structure and function outputs the following: PolyPhen-2: "Benign". The leucine amino acid residue is found in multiple mammalian species, which suggests that this missense change does not adversely affect protein function. In summary, the available evidence is currently insufficient to determine the role of this variant in disease. Therefore, it has been classified as a Variant of Uncertain Significance.

Ambry Genetics
Classification: Uncertain significance for Inborn genetic diseases. Last evaluated: 2024-04-01. Review status: criteria provided, single submitter. Criteria: Ambry Variant Classification Scheme 2023. Collection method: clinical testing. Allele origin: germline.